The following is an entry in ClinVar:

ClinVar aggregate classification (germline): Conflicting classifications of pathogenicity. Review status: criteria provided, conflicting classifications (1 of 4 stars). 4 submissions from 4 submitters: Likely pathogenic (1); Uncertain significance (2). 1 of the submissions does not count toward it. Last evaluated 2024-10-31.

Conditions:
Usher syndrome. Also called: Usher's syndrome; Usher Syndromes. Identifiers: Orphanet 886, MedGen CN469326, MeSH D052245, MONDO:0019501. Disease mechanism: loss of function.
Usher syndrome type 1 (USH1). Also called: RETINITIS PIGMENTOSA AND CONGENITAL DEAFNESS. Identifiers: Orphanet 231169, Orphanet 886, MedGen C1568247, MONDO:0010168, OMIM 276900.

Allele frequency attached by ClinVar (database versions not stated): ExAC 0.00008; TOPMed 0.00001.
gnomAD v4.1: 48 of 1,613,878 alleles (0.003%); highest among the groups gnomAD compares: South Asian, 0.026%; no homozygotes.

Submissions (4):

Blueprint Genetics
Classification: Uncertain significance. Last evaluated: 2024-10-31. Review status: criteria provided, single submitter. Criteria: ACMG Guidelines, 2015. Collection method: clinical testing. Allele origin: germline.

SN ONGC Dept of Genetics and Molecular biology Vision Research Foundation
Classification: Likely pathogenic for Usher syndrome. Last evaluated: 2022-12-31. Review status: criteria provided, single submitter. Criteria: ACMG Guidelines, 2015. Collection method: research. Allele origin: unknown. Affected: yes. Observed: 1 variant allele, 1 heterozygote.

Labcorp Genetics (formerly Invitae), Labcorp
Classification: Uncertain significance. Last evaluated: 2022-08-21. Review status: criteria provided, single submitter. Criteria: Invitae Variant Classification Sherloc (09022015). Collection method: clinical testing. Allele origin: germline.
Comment: This sequence change replaces valine, which is neutral and non-polar, with methionine, which is neutral and non-polar, at codon 1230 of the CDH23 protein (p.Val1230Met). This variant is present in population databases (rs377358096, gnomAD 0.03%). This variant has not been reported in the literature in individuals affected with CDH23-related conditions. ClinVar contains an entry for this variant (Variation ID: 846103). Algorithms developed to predict the effect of missense changes on protein structure and function are either unavailable or do not agree on the potential impact of this missense change (SIFT: "Deleterious"; PolyPhen-2: "Not Available"; Align-GVGD: "Class C15"). In summary, the available evidence is currently insufficient to determine the role of this variant in disease. Therefore, it has been classified as a Variant of Uncertain Significance.

Natera, Inc.
Classification: Uncertain significance for Usher syndrome type 1. Last evaluated: 2020-09-16. Review status: no assertion criteria provided. Collection method: clinical testing. Allele origin: germline. Not counted in ClinVar's aggregate classification.

NM_022124.6(CDH23):c.3688G>A (p.Val1230Met)

Genes: C10orf105 (chromosome 10 open reading frame 105; minus strand), CDH23 (cadherin related 23; plus strand). Cytogenetic location: 10q22.1.
Variant type: single nucleotide variant.
Coding change: c.3688G>A on transcript NM_022124.6 (MANE Select); coding-DNA position 3688, G replaced by A.
Protein change: p.Val1230Met; replaces valine 1230 with methionine.
Molecular consequence: missense variant. On other transcripts: intron variant (1).
Genome position (GRCh38, 1-based): chr10:71,730,577, G>A. VCF-style: chr10-71730577-G-A. GRCh37 (hg19) VCF-style: chr10-73490334-G-A.
Other names: c.3688G>A, p.Val1230Met (NM_001171930.2); c.-6+7151C>T (NM_001168390.2); short protein forms V1230M.
Identifiers: ClinVar variation 846103 (VCV000846103.31), dbSNP rs377358096, ClinGen allele CA5544806.